The following is an entry in ClinVar:

NM_001040108.2(MLH3):c.3344G>A (p.Arg1115Gln)

Gene: MLH3 (mutL homolog 3; minus strand). Cytogenetic location: 14q24.3.
Variant type: single nucleotide variant.
Coding change: c.3344G>A on transcript NM_001040108.2 (MANE Select); coding-DNA position 3344, G replaced by A.
Protein change: p.Arg1115Gln; replaces arginine 1115 with glutamine.
Molecular consequence: missense variant.
Genome position (GRCh38, 1-based): chr14:75,042,414, C>T on the plus strand (G>A on the coding strand, the complement: MLH3 is on the minus strand). VCF-style: chr14-75042414-C-T. GRCh37 (hg19) VCF-style: chr14-75509117-C-T.
Other names: c.3344G>A, p.Arg1115Gln (NM_014381.3); short protein forms R1115Q.
Identifiers: ClinVar variation 410893 (VCV000410893.23), dbSNP rs78311619, ClinGen allele CA7275525.
Genomic context (GRCh38, chr14:75,042,414, plus strand): 5'-CCCCAGCACTCTCTGCCACCCTTACCTCTGTTATCCTGTCTCATCACAGTCCTCTCTGCT[C>T]GAGCTCTCGGAAGGAAAGGAAGAACAAGGTCGCTTCTAAAAGGTTGACACCTGTACTGAG-3'
Protein context (NP_001035197.1, residues 1105-1125): DLVLPFLPRA[Arg1115Gln]AERTVMRQDN

ClinVar aggregate classification (germline): Conflicting classifications of pathogenicity. Review status: criteria provided, conflicting classifications (1 of 4 stars). 7 submissions from 7 submitters: Uncertain significance (3); Likely benign (3). 1 of the submissions does not count toward it. Last evaluated 2026-01-19.

Conditions:
Endometrial carcinoma. Also called: Endometrial carcinoma, somatic. Identifiers: MedGen C0476089, MONDO:0002447, OMIM 608089, HP:0012114.
Colorectal cancer, hereditary nonpolyposis, type 7. Identifiers: Orphanet 144, MedGen C1858380, MONDO:0013725, OMIM 614385.
Colorectal cancer. Also called: Colorectal cancer, somatic; Malignant Colorectal Neoplasm. Identifiers: MedGen C0346629, MONDO:0005575, OMIM 114500.
MLH3-related disorder. Also called: MLH3-related condition.

Allele frequency attached by ClinVar (database versions not stated): ExAC 0.00005; gnomAD exomes 0.00006; ESP Exome Variant Server 0.00023; gnomAD 0.00038; TOPMed 0.00039; 1000 Genomes Project 0.00040; 1000 Genomes Project 30x 0.00047.
gnomAD v4.1: 128 of 1,614,138 alleles (0.0079%); highest among the groups gnomAD compares: African/African-American, 0.13%; no homozygotes.

Submissions (7):

Labcorp Genetics (formerly Invitae), Labcorp
Classification: Likely benign for Colorectal cancer, hereditary nonpolyposis, type 7. Last evaluated: 2026-01-19. Review status: criteria provided, single submitter. Criteria: Invitae Variant Classification Sherloc (09022015). Collection method: clinical testing. Allele origin: germline.

Dasa
Classification: Uncertain significance. Last evaluated: 2025-11-19. Review status: criteria provided, single submitter. Criteria: DASA Assertion Criteria. Collection method: clinical testing. Allele origin: germline.
Comment: NM_001040108.2(MLH3):c.3344G>A (p.Arg1115Gln) is a missense variant that results in the substitution of arginine with glutamine. This variant is rare in population databases. Computational prediction algorithms are consistent with a benign effect. The currently available literature and clinical evidence are not sufficient to establish a definitive association between this variant and the reported condition. Therefore, this variant is classified as a variant of uncertain significance.

Center for Genomic Medicine, Rigshospitalet, Copenhagen University Hospital
Classification: Uncertain significance. Last evaluated: 2025-03-04. Review status: criteria provided, single submitter. Criteria: ACMG Guidelines, 2015. Collection method: clinical testing. Allele origin: germline.
Comment: Classification criteria: BP4_moderate

Blueprint Genetics
Classification: Likely benign. Last evaluated: 2023-12-01. Review status: criteria provided, single submitter. Criteria: ACMG Guidelines, 2015. Collection method: clinical testing. Allele origin: germline.

Department of Pathology and Laboratory Medicine, Sinai Health System
Classification: Uncertain significance for Colorectal cancer; Endometrial carcinoma; Colorectal cancer, hereditary nonpolyposis, type 7. Last evaluated: 2023-09-06. Review status: criteria provided, single submitter. Criteria: ACMG Guidelines, 2015. Collection method: clinical testing. Allele origin: germline. Affected: yes.

Ambry Genetics
Classification: Likely benign. Last evaluated: 2020-09-21. Review status: criteria provided, single submitter. Criteria: Ambry Variant Classification Scheme 2023. Collection method: clinical testing. Allele origin: germline.

PreventionGenetics, part of Exact Sciences
Classification: Likely benign for MLH3-related condition. Last evaluated: 2023-06-06. Review status: no assertion criteria provided. Collection method: clinical testing. Allele origin: germline. Not counted in ClinVar's aggregate classification.
Comment: This variant is classified as likely benign based on ACMG/AMP sequence variant interpretation guidelines (Richards et al. 2015 PMID: 25741868, with internal and published modifications).

Literature cited by the submitters: PubMed 26542077 (cited by Department of Pathology and Laboratory Medicine, Sinai Health System).